The following is an entry in ClinVar:

ClinVar aggregate classification (germline): Pathogenic (1 of 4 stars; one submission).

Submission:

Labcorp Genetics (formerly Invitae), Labcorp
Classification: Pathogenic. Last evaluated: 2022-07-16. Review status: criteria provided, single submitter. Criteria: Invitae Variant Classification Sherloc (09022015). Collection method: clinical testing. Allele origin: germline.
Comment: For these reasons, this variant has been classified as Pathogenic. This variant has not been reported in the literature in individuals affected with MERTK-related conditions. This variant is a gross deletion of the genomic region encompassing exon(s) 5-8 of the MERTK gene. This deletion is out-of-frame, and is expected to create a premature termination codon and result in an absent or disrupted protein product. Loss-of-function variants in MERTK are known to be pathogenic (PMID: 24265693, 29659094).

Literature cited by the submitters: PubMed 24265693; PubMed 29659094.

NC_000002.11:g.(?_112722748)_(112740590_?)del

Gene: MERTK (MER proto-oncogene, tyrosine kinase; plus strand). Cytogenetic location: 2q13.
Variant type: Deletion.
Identifiers: ClinVar variation 2425570 (VCV002425570.4).